The following is an entry in ClinVar:

ClinVar aggregate classification (germline): Likely benign. Review status: criteria provided, single submitter (1 of 4 stars). 2 submissions from 2 submitters: Likely benign (1). 1 of the submissions does not count toward it. Last evaluated 2025-11-17.

Conditions:
F7-related disorder. Also called: F7-related condition.

Allele frequency attached by ClinVar (database versions not stated): gnomAD 0.00002; gnomAD exomes 0.00004; TOPMed 0.00009.
gnomAD v4.1: 56 of 1,548,610 alleles (0.0036%); highest among the groups gnomAD compares: Admixed American, 0.1%; no homozygotes.

Submissions (2):

Labcorp Genetics (formerly Invitae), Labcorp
Classification: Likely benign. Last evaluated: 2025-11-17. Review status: criteria provided, single submitter. Criteria: Invitae Variant Classification Sherloc (09022015). Collection method: clinical testing. Allele origin: germline.

PreventionGenetics, part of Exact Sciences
Classification: Likely benign for F7-related condition. Last evaluated: 2023-08-10. Review status: no assertion criteria provided. Collection method: clinical testing. Allele origin: germline. Not counted in ClinVar's aggregate classification.
Comment: This variant is classified as likely benign based on ACMG/AMP sequence variant interpretation guidelines (Richards et al. 2015 PMID: 25741868, with internal and published modifications).

NM_019616.4(F7):c.93C>T (p.Gly31=)

Gene: F7 (coagulation factor VII; plus strand). Cytogenetic location: 13q34.
Variant type: single nucleotide variant.
Coding change: c.93C>T on transcript NM_019616.4 (MANE Select); coding-DNA position 93, C replaced by T.
Protein change: p.Gly31=; no amino-acid change (glycine 31 retained).
Molecular consequence: synonymous variant. On other transcripts: non-coding transcript variant (1), intron variant (1).
Genome position (GRCh38, 1-based): chr13:113,110,718, C>T. VCF-style: chr13-113110718-C-T. GRCh37 (hg19) VCF-style: chr13-113765032-C-T.
Other names: c.159C>T, p.Gly53= (NM_000131.5); c.65-3129C>T (NM_001267554.2).
Identifiers: ClinVar variation 3047343 (VCV003047343.3), dbSNP rs763156842, ClinGen allele CA7059862.